The following is an entry in ClinVar:

NM_000089.4(COL1A2):c.389G>T (p.Gly130Val)

Gene: COL1A2 (collagen type I alpha 2 chain; plus strand). Cytogenetic location: 7q21.3.
Variant type: single nucleotide variant.
Coding change: c.389G>T on transcript NM_000089.4 (MANE Select); coding-DNA position 389, G replaced by T.
Protein change: p.Gly130Val; replaces glycine 130 with valine.
Molecular consequence: missense variant.
Genome position (GRCh38, 1-based): chr7:94,404,849, G>T. VCF-style: chr7-94404849-G-T. GRCh37 (hg19) VCF-style: chr7-94034161-G-T.
Other names: short protein forms G130V.
Identifiers: ClinVar variation 585504 (VCV000585504.12), dbSNP rs72656360, ClinGen allele CA368219666.

ClinVar aggregate classification (germline): Pathogenic/Likely pathogenic. Review status: criteria provided, multiple submitters, no conflicts (2 of 4 stars). 5 submissions from 5 submitters: Pathogenic (3); Likely pathogenic (2). Last evaluated 2026-03-12.

Conditions:
Osteogenesis imperfecta type I (OI1). Also called: Classic Non-deforming Osteogenesis Imperfecta with Blue Sclerae; Lobstein's Disease; OI, TYPE I; OSTEOGENESIS IMPERFECTA TARDA; OSTEOGENESIS IMPERFECTA WITH BLUE SCLERAE; Osteogenesis imperfecta type 1. Identifiers: Orphanet 216796, Orphanet 666, MedGen C0023931, MONDO:0008146, OMIM 166200. Disease mechanism: loss of function.
Ehlers-Danlos syndrome, classic type, 1 (EDSCL1). Also called: Ehlers-Danlos Syndrome, Classic Type, COL5A1-Related; EDS I; Ehlers-Danlos syndrome, type 1; EHLERS-DANLOS SYNDROME, GRAVIS TYPE; EHLERS-DANLOS SYNDROME, SEVERE CLASSIC TYPE. Identifiers: MedGen C0268335, MONDO:0019567, OMIM 130000.
Osteoporosis. Identifiers: MedGen C0029456, MONDO:0005298, OMIM 166710, HP:0000939.
Ehlers-Danlos syndrome, cardiac valvular type. Identifiers: Orphanet 230851, MedGen C4303789, MONDO:0009159, OMIM 225320.
Ehlers-Danlos syndrome, arthrochalasia type, 2. Also called: EHLERS-DANLOS SYNDROME, TYPE VIIB, AUTOSOMAL DOMINANT. Identifiers: MedGen CN293783, MONDO:0040501, OMIM 617821.
Osteogenesis imperfecta, perinatal lethal (OI2). Also called: Osteogenesis imperfecta type 2; OSTEOGENESIS IMPERFECTA, TYPE II; OI, TYPE II; OSTEOGENESIS IMPERFECTA CONGENITA; Osteogenesis imperfecta, dominant perinatal lethal; VROLIK TYPE OF OSTEOGENESIS IMPERFECTA. Identifiers: Orphanet 216804, MedGen C0268358, MONDO:0008147, OMIM 166210.
Osteogenesis imperfecta type III (OI3). Also called: Progressively Deforming Osteogenesis Imperfecta; Osteogenesis imperfecta type 3; OI type 3; Osteogenesis imperfecta, progressively deforming with normal sclerae; OI type III. Identifiers: Orphanet 216812, Orphanet 666, MedGen C0268362, MONDO:0009804, OMIM 259420.
Combined osteogenesis imperfecta and Ehlers-Danlos syndrome 2. Also called: OIEDS SYNDROME 2. Identifiers: MedGen C5436847, MONDO:0030855, OMIM 619120.
Osteogenesis imperfecta with normal sclerae, dominant form (OI4). Also called: Common Variable Osteogenesis Imperfecta with Normal Sclerae; OSTEOGENESIS IMPERFECTA WITH NORMAL SCLERAE; OSTEOGENESIS IMPERFECTA, TYPE IV, WITH DENTINOGENESIS IMPERFECTA; Osteogenesis imperfecta type 4; Osteogenesis Imperfecta Type IV. Identifiers: Orphanet 216820, Orphanet 666, MedGen C0268363, MONDO:0008148, OMIM 166220.
COL1A2-related disorder. Also called: COL1A2-related condition; COL1A2-Related Disorders.

Submissions (5):

PreventionGenetics, part of Exact Sciences
Classification: Likely pathogenic for COL1A2-related condition. Last evaluated: 2026-03-12. Review status: criteria provided, single submitter. Criteria: ACMG Guidelines, 2015. Collection method: clinical testing. Allele origin: germline.
Comment: The COL1A2 c.389G>T variant is predicted to result in the amino acid substitution p.Gly130Val. To our knowledge, this variant has not been reported in the literature or in a large population database (gnomAD), indicating this variant is rare. The p.Gly130 residue is located in the conserved Gly-Xaa-Yaa triple helical domain where substitutions of a glycine are usually pathogenic (Marini et al. 2007. PubMed ID: 17078022). Alternate glycine substitutions at the same amino acid position (p.Gly130Asp and p.Gly130Cys) have been reported in individuals with osteogenesis imperfecta (Table S2, Marini et al. 2007. PubMed ID: 17078022; Table S4, Mei et al. 2022. PubMed ID: 35909573). Taken together, the c.389G>A (p.Gly130Val) variant is interpreted as likely pathogenic.

Labcorp Genetics (formerly Invitae), Labcorp
Classification: Pathogenic for Osteogenesis imperfecta type I; Ehlers-Danlos syndrome, classic type, 1. Last evaluated: 2025-10-02. Review status: criteria provided, single submitter. Criteria: Invitae Variant Classification Sherloc (09022015). Collection method: clinical testing. Allele origin: germline.
Comment: This sequence change replaces glycine, which is neutral and non-polar, with valine, which is neutral and non-polar, at codon 130 of the COL1A2 protein (p.Gly130Val). This variant is not present in population databases (gnomAD no frequency). This missense change has been observed in individuals with autosomal dominant COL1A2-related conditions (internal data). ClinVar contains an entry for this variant (Variation ID: 585504). Invitae Evidence Modeling of protein sequence and biophysical properties (such as structural, functional, and spatial information, amino acid conservation, physicochemical variation, residue mobility, and thermodynamic stability) indicates that this missense variant is expected to disrupt COL1A2 protein function with a positive predictive value of 95%. This variant disrupts the triple helix domain of COL1A2. Glycine residues within the Gly-Xaa-Yaa repeats of the triple helix domain are required for the structure and stability of fibrillar collagens (PMID: 7695699, 8218237, 19344236). In COL1A2, variants affecting these glycine residues are significantly enriched in individuals with disease (PMID: 9016532, 17078022) compared to the general population (ExAC). This variant disrupts the p.Gly130 amino acid residue in COL1A2. Other variant(s) that disrupt this residue have been observed in individuals with COL1A2-related conditions (PMID: 17078022, 24342908; internal data), which suggests that this may be a clinically significant amino acid residue. For these reasons, this variant has been classified as Pathogenic.

3billion
Classification: Pathogenic for COL1A2-related disorder. Last evaluated: 2025-05-29. Review status: criteria provided, single submitter. Criteria: ACMG Guidelines, 2015. Collection method: clinical testing. Allele origin: germline. Affected: yes.
Comment: The variant is observed at an extremely low frequency in the gnomAD v4.1.0 dataset (total allele frequency: <0.001%). Predicted Consequence/Location: Missense variant. Missense changes are a common disease-causing mechanism. In silico tool predictions suggest damaging effect of the variant on gene or gene product [REVEL: 0.98 (>=0.6, sensitivity 0.68 and specificity 0.92); 3Cnet: 0.99 (> 0.75, sensitivity 0.96 and precision 0.92)]. The same nucleotide change resulting in the same amino acid change has been previously reported as pathogenic/likely pathogenic with strong evidence (ClinVar ID: VCV000585504). Different missense changes at the same codon (p.Gly130Asp, p.Gly130Cys) have been reported as pathogenic/likely pathogenic with strong evidence (ClinVar ID: VCV000456836 /PMID: 17078022, 35909573). Therefore, this variant is classified as Pathogenic according to the recommendation of ACMG/AMP guideline.

Fulgent Genetics
Classification: Likely pathogenic for Osteogenesis imperfecta, perinatal lethal; Osteogenesis imperfecta with normal sclerae, dominant form; Osteoporosis; Ehlers-Danlos syndrome, cardiac valvular type; Osteogenesis imperfecta type III; Ehlers-Danlos syndrome, arthrochalasia type, 2; Combined osteogenesis imperfecta and Ehlers-Danlos syndrome 2. Last evaluated: 2023-12-27. Review status: criteria provided, single submitter. Criteria: ACMG Guidelines, 2015. Collection method: clinical testing. Allele origin: germline.

Athena Diagnostics
Classification: Pathogenic. Last evaluated: 2018-02-26. Review status: criteria provided, single submitter. Criteria: Athena Diagnostics Criteria. Collection method: clinical testing. Allele origin: germline.

Literature cited by the submitters: PubMed 7695699 (cited by Labcorp Genetics (formerly Invitae), Labcorp); PubMed 8218237 (cited by Labcorp Genetics (formerly Invitae), Labcorp); PubMed 19344236 (cited by Labcorp Genetics (formerly Invitae), Labcorp); PubMed 9016532 (cited by Labcorp Genetics (formerly Invitae), Labcorp); PubMed 17078022 (cited by Labcorp Genetics (formerly Invitae), Labcorp and 3billion); PubMed 24342908 (cited by Labcorp Genetics (formerly Invitae), Labcorp).